The following is an entry in ClinVar:

ClinVar aggregate classification (germline): Pathogenic (1 of 4 stars; one submission).

Submission:

Athena Diagnostics
Classification: Pathogenic. Last evaluated: 2024-12-31. Review status: criteria provided, single submitter. Criteria: Athena Diagnostics Criteria. Collection method: clinical testing. Allele origin: unknown.
Comment: This variant is expected to result in the loss of a functional protein. This variant has not been reported in large, multi-ethnic general populations. This variant has been identified in at least one individual with clinical features associated with this gene.

NM_000545.8(HNF1A):c.872_873delinsT (p.Pro291fs)

Gene: HNF1A (HNF1 homeobox A; plus strand). Cytogenetic location: 12q24.31.
Variant type: Indel.
Coding change: c.872_873delinsT on transcript NM_000545.8 (MANE Select); coding-DNA positions 872 to 873, CA replaced by T.
Protein change: p.Pro291fs; shifts the reading frame from proline 291.
Molecular consequence: frameshift variant.
Genome position (GRCh38, 1-based): chr12:120,994,322-120,994,323, CA replaced by T. VCF-style: chr12-120994322-CA-T. GRCh37 (hg19) VCF-style: chr12-121432125-CA-T.
Other names: c.872_873delCAinsT, p.Pro291Leufs (NM_000545.5); c.872_873delinsT, p.Pro291fs (NM_001306179.2, NM_001406915.1); short protein forms P291fs.
Identifiers: ClinVar variation 4682477 (VCV004682477.1).